The following is an entry in ClinVar:

NM_133259.4(LRPPRC):c.651-211C>T

Gene: LRPPRC (leucine rich pentatricopeptide repeat containing; minus strand). Cytogenetic location: 2p21.
Variant type: single nucleotide variant.
Coding change: c.651-211C>T on transcript NM_133259.4 (MANE Select); 211 bases into the intron before coding-DNA position 651, C replaced by T.
Molecular consequence: intron variant.
Genome position (GRCh38, 1-based): chr2:43,976,440, G>A on the plus strand (C>T on the coding strand, the complement: LRPPRC is on the minus strand). VCF-style: chr2-43976440-G-A. GRCh37 (hg19) VCF-style: chr2-44203579-G-A.
Identifiers: ClinVar variation 684310 (VCV000684310.1), dbSNP rs11691515, ClinGen allele CA16096362.

ClinVar aggregate classification (germline): Benign (1 of 4 stars; one submission).

Allele frequency attached by ClinVar (database versions not stated): 1000 Genomes Project 0.25180; 1000 Genomes Project 30x 0.25734; TOPMed 0.32600; gnomAD 0.34274 and 0.34626.
gnomAD v4.1: 51,938 of 151,752 alleles (34%); highest among the groups gnomAD compares: Non-Finnish European, 42%; 9,649 homozygotes.

Submission:

GeneDx
Classification: Benign. Last evaluated: 2018-06-14. Review status: criteria provided, single submitter. Criteria: GeneDx Variant Classification (06012015). Collection method: clinical testing. Allele origin: germline. Affected: yes.
Comment: This variant is considered likely benign or benign based on one or more of the following criteria: it is a conservative change, it occurs at a poorly conserved position in the protein, it is predicted to be benign by multiple in silico algorithms, and/or has population frequency not consistent with disease.